The following is an entry in ClinVar:

ClinVar aggregate classification (germline): Benign/Likely benign. Review status: criteria provided, multiple submitters, no conflicts (2 of 4 stars). 3 submissions from 3 submitters: Benign (1); Likely benign (2). Last evaluated 2026-04-15.

Conditions:
Hereditary cancer-predisposing syndrome. Also called: Neoplastic Syndromes, Hereditary; Tumor predisposition; Hereditary Cancer Syndrome; Hereditary neoplastic syndrome. Identifiers: Orphanet 140162, MedGen C0027672, MeSH D009386, MONDO:0015356.
Familial cancer of breast. Also called: Hereditary breast cancer; hereditary breast carcinoma; BREAST CANCER, FAMILIAL. Identifiers: Orphanet 227535, MedGen C0346153, MONDO:0016419, OMIM 114480. Disease mechanism: loss of function.

Allele frequency attached by ClinVar (database versions not stated): gnomAD exomes below 0.00001.
gnomAD v4.1: 2 of 1,614,044 alleles (0.00012%); highest among the groups gnomAD compares: South Asian, 0.0022%; no homozygotes.

Submissions (3):

Ambry Genetics
Classification: Likely benign for Hereditary cancer-predisposing syndrome. Last evaluated: 2026-04-15. Review status: criteria provided, single submitter. Criteria: Ambry Variant Classification Scheme 2023. Collection method: clinical testing. Allele origin: germline.

Myriad Genetics, Inc.
Classification: Benign for Familial cancer of breast. Last evaluated: 2024-07-29. Review status: criteria provided, single submitter. Criteria: Myriad Autosomal Dominant, Autosomal Recessive and X-Linked Classification Criteria (2023). Collection method: clinical testing. Allele origin: unknown.
Comment: This variant is considered benign. This variant is a silent/synonymous amino acid change and it is not expected to impact splicing.

Labcorp Genetics (formerly Invitae), Labcorp
Classification: Likely benign for Familial cancer of breast. Last evaluated: 2024-03-16. Review status: criteria provided, single submitter. Criteria: Invitae Variant Classification Sherloc (09022015). Collection method: clinical testing. Allele origin: germline.

NM_000465.4(BARD1):c.1878T>C (p.Asn626=)

Gene: BARD1 (BRCA1 associated RING domain 1; minus strand). Cytogenetic location: 2q35.
Variant type: single nucleotide variant.
Coding change: c.1878T>C on transcript NM_000465.4 (MANE Select); coding-DNA position 1878, T replaced by C.
Protein change: p.Asn626=; no amino-acid change (asparagine 626 retained).
Molecular consequence: synonymous variant. On other transcripts: non-coding transcript variant (3), intron variant (1).
Genome position (GRCh38, 1-based): chr2:214,745,092, A>G on the plus strand (T>C on the coding strand, the complement: BARD1 is on the minus strand). VCF-style: chr2-214745092-A-G. GRCh37 (hg19) VCF-style: chr2-215609816-A-G.
Other names: c.1821T>C, p.Asn607= (NM_001282543.2); c.525T>C, p.Asn175= (NM_001282545.2); c.468T>C, p.Asn156= (NM_001282548.2); c.365-14584T>C (NM_001282549.2); c.1878T>C (NM_000465.2).
Identifiers: ClinVar variation 2099400 (VCV002099400.6), dbSNP rs1553614944, ClinGen allele CA431144904.